The following is an entry in ClinVar:

ClinVar aggregate classification (germline): Uncertain significance (1 of 4 stars; one submission).

Allele frequency attached by ClinVar (database versions not stated): TOPMed below 0.00001.
gnomAD v4.1: 4 of 1,614,116 alleles (0.00025%); highest among the groups gnomAD compares: Non-Finnish European, 0.00034%; no homozygotes.

Submission:

GeneDx
Classification: Uncertain significance. Last evaluated: 2019-08-15. Review status: criteria provided, single submitter. Criteria: GeneDx Variant Classification Process June 2021. Collection method: clinical testing. Allele origin: germline. Affected: yes.
Comment: Has not been previously published as pathogenic or benign to our knowledge; Not observed in large population cohorts (Lek et al., 2016); In silico analysis, which includes protein predictors and evolutionary conservation, supports that this variant does not alter protein structure/function

NM_001148.6(ANK2):c.7713G>T (p.Glu2571Asp)

Genes: ANK2 (ankyrin 2; plus strand), LOC126807137 (CDK7 strongly-dependent group 2 enhancer GRCh37_chr4:114276560-114277759; plus strand). Cytogenetic location: 4q26.
Variant type: single nucleotide variant.
Coding change: c.7713G>T on transcript NM_001148.6 (MANE Select); coding-DNA position 7713, G replaced by T.
Protein change: p.Glu2571Asp; replaces glutamic acid 2571 with aspartic acid.
Molecular consequence: missense variant. On other transcripts: intron variant (68).
Genome position (GRCh38, 1-based): chr4:113,356,331, G>T. VCF-style: chr4-113356331-G-T. GRCh37 (hg19) VCF-style: chr4-114277487-G-T.
Other names: c.7479G>T, p.Glu2493Asp (NM_001386142.1); c.4113G>T, p.Glu1371Asp (NM_001386166.1); c.7854G>T, p.Glu2618Asp (NM_001386174.1); c.7830G>T, p.Glu2610Asp (NM_001386175.1); c.4412-4492G>T (NM_001386186.2, NM_001386148.2); c.4214-4492G>T (NM_001354269.3); c.4292-4492G>T (NM_001386187.2); c.4253-4492G>T (NM_001386147.1); and 35 more; short protein forms E1371D, E2493D, E2571D, E2610D, E2618D.
Identifiers: ClinVar variation 1318604 (VCV001318604.2), dbSNP rs1239014234, ClinGen allele CA357931671.